The following is an entry in ClinVar:

NM_003111.5(SP3):c.2105del (p.Thr702fs)

Gene: SP3 (Sp3 transcription factor; minus strand). Cytogenetic location: 2q31.1.
Variant type: Deletion.
Coding change: c.2105del on transcript NM_003111.5 (MANE Select); coding-DNA position 2105, one base deleted (C; older notation c.2105delC).
Protein change: p.Thr702fs; shifts the reading frame from threonine 702.
Molecular consequence: frameshift variant.
Genome position (GRCh38, 1-based): chr2:173,910,182, G deleted on the plus strand (C on the coding strand, the reverse complement: SP3 is on the minus strand). VCF-style (leftmost placement, unchanged base first): chr2-173910181-TG-T. GRCh37 (hg19) VCF-style: chr2-174774909-TG-T.
Other names: c.2105delC (NM_003111.4); c.1901del, p.Thr634fs (NM_001017371.5); c.2096del, p.Thr699fs (NM_001172712.1); short protein forms T702fs, T634fs, T699fs.
Identifiers: ClinVar variation 932093 (VCV000932093.3), dbSNP rs1689439790, ClinGen allele CA1139657361.
Genomic context (GRCh38, chr2:173,910,181, plus strand): 5'-CGCAGCTTCCACAGATGCCAGCACTGTACTGCTAGAGTGAATACCTTTTTTATTCTGGTG[TG>T]TTTTAATATGTTTGGCAAGGTGGTCACTTCTCATAAAGCGTTTTGAACATTCTGGACAAA-3'

ClinVar aggregate classification (germline): Uncertain significance (1 of 4 stars; one submission).

Submission:

Centre for Mendelian Genomics, University Medical Centre Ljubljana
Classification: Uncertain significance. Last evaluated: 2019-08-08. Review status: criteria provided, single submitter. Criteria: ACMG Guidelines, 2015. Collection method: clinical testing. Allele origin: unknown. Affected: yes.
Comment: This variant was classified as: Uncertain significance. The available evidence on this variant's pathogenicity is insufficient or conflicting. The following ACMG criteria were applied in classifying this variant: PM2.